The following is an entry in ClinVar:

NM_001943.5(DSG2):c.1489C>A (p.Pro497Thr)

Gene: DSG2 (desmoglein 2; plus strand). Cytogenetic location: 18q12.1.
Variant type: single nucleotide variant.
Coding change: c.1489C>A on transcript NM_001943.5 (MANE Select); coding-DNA position 1489, C replaced by A.
Protein change: p.Pro497Thr; replaces proline 497 with threonine.
Molecular consequence: missense variant.
Genome position (GRCh38, 1-based): chr18:31,536,267, C>A. VCF-style: chr18-31536267-C-A. GRCh37 (hg19) VCF-style: chr18-29116230-C-A.
Other names: c.1489C>A (LRG_397t1); short protein forms P497T.
Identifiers: ClinVar variation 577848 (VCV000577848.16), dbSNP rs1293179210, ClinGen allele CA402141441.
Genomic context (GRCh38, chr18:31,536,267, plus strand): 5'-CCTAGAAAAACCATCACTGGCACAGTCCTTATCAATGTTGAAGACATCAACGACAACTGT[C>A]CCACACTGATAGAGCCTGTGCAGACAATCTGTCACGATGCAGAGTATGTGAATGTTACTG-3'
Protein context (NP_001934.2, residues 487-507): INVEDINDNC[Pro497Thr]TLIEPVQTIC

ClinVar aggregate classification (germline): Uncertain significance. Review status: criteria provided, multiple submitters, no conflicts (2 of 4 stars). 4 submissions from 4 submitters: Uncertain significance (4). Last evaluated 2023-12-27.

Conditions:
Cardiomyopathy (CMYO). Also called: Cardiomyopathies. Identifiers: Orphanet 167848, MedGen C0878544, MONDO:0004994, HP:0001638. Inheritance: Various modes of inheritance.
Cardiovascular phenotype. Identifiers: MedGen CN230736.
Arrhythmogenic right ventricular dysplasia 10. Also called: Arrhythmogenic Right Ventricular Dysplasia/Cardiomyopathy10; ARRHYTHMOGENIC RIGHT VENTRICULAR DYSPLASIA, FAMILIAL, 10; Arrhythmogenic right ventricular dysplasia/cardiomyopathy, type 10. Identifiers: MedGen C1857777, MONDO:0012434, OMIM 610193.

Allele frequency attached by ClinVar (database versions not stated): gnomAD 0.00001; TOPMed 0.00001.

Submissions (4):

Color Diagnostics, LLC DBA Color Health
Classification: Uncertain significance for Cardiomyopathy. Last evaluated: 2023-12-27. Review status: criteria provided, single submitter. Criteria: ACMG Guidelines, 2015. Collection method: clinical testing. Allele origin: germline.
Comment: This missense variant replaces proline with threonine at codon 497 of the DSG2 protein. Computational prediction suggests that this variant may have deleterious impact on protein structure and function (internally defined REVEL score threshold >= 0.7, PMID: 27666373). To our knowledge, functional studies have not been reported for this variant. This variant has not been reported in individuals affected with DSG2-related disorders in the literature. This variant has not been identified in the general population by the Genome Aggregation Database (gnomAD). The available evidence is insufficient to determine the role of this variant in disease conclusively. Therefore, this variant is classified as a Variant of Uncertain Significance.

Human Genetics Bochum, Ruhr University Bochum
Classification: Uncertain significance for Arrhythmogenic right ventricular dysplasia 10. Last evaluated: 2023-08-09. Review status: criteria provided, single submitter. Criteria: ACMG Guidelines, 2015. Collection method: clinical testing. Allele origin: germline. Affected: yes.
Comment: ACMG criteria used to clasify this variant: PP3_MOD, PM2_SUP

Labcorp Genetics (formerly Invitae), Labcorp
Classification: Uncertain significance for Arrhythmogenic right ventricular dysplasia 10. Last evaluated: 2022-02-01. Review status: criteria provided, single submitter. Criteria: Invitae Variant Classification Sherloc (09022015). Collection method: clinical testing. Allele origin: germline.
Comment: In summary, the available evidence is currently insufficient to determine the role of this variant in disease. Therefore, it has been classified as a Variant of Uncertain Significance. Algorithms developed to predict the effect of missense changes on protein structure and function (SIFT, PolyPhen-2, Align-GVGD) all suggest that this variant is likely to be disruptive. ClinVar contains an entry for this variant (Variation ID: 577848). This variant has not been reported in the literature in individuals affected with DSG2-related conditions. This variant is not present in population databases (gnomAD no frequency). This sequence change replaces proline, which is neutral and non-polar, with threonine, which is neutral and polar, at codon 497 of the DSG2 protein (p.Pro497Thr).

Ambry Genetics
Classification: Uncertain significance for Cardiovascular phenotype. Last evaluated: 2021-08-10. Review status: criteria provided, single submitter. Criteria: Ambry Variant Classification Scheme 2023. Collection method: clinical testing. Allele origin: germline.
Comment: The p.P497T variant (also known as c.1489C>A), located in coding exon 11 of the DSG2 gene, results from a C to A substitution at nucleotide position 1489. The proline at codon 497 is replaced by threonine, an amino acid with highly similar properties. This amino acid position is conserved. In addition, this alteration is predicted to be deleterious by in silico analysis. Since supporting evidence is limited at this time, the clinical significance of this alteration remains unclear.